The following is an entry in ClinVar:

NM_000733.4(CD3E):c.85+4A>G

Gene: CD3E (CD3 epsilon subunit of T-cell receptor complex; plus strand). Cytogenetic location: 11q23.3.
Variant type: single nucleotide variant.
Coding change: c.85+4A>G on transcript NM_000733.4 (MANE Select); 4 bases into the intron after coding-DNA position 85, A replaced by G.
Molecular consequence: intron variant.
Genome position (GRCh38, 1-based): chr11:118,308,445, A>G. VCF-style: chr11-118308445-A-G. GRCh37 (hg19) VCF-style: chr11-118179160-A-G.
Identifiers: ClinVar variation 1498546 (VCV001498546.6), dbSNP rs2134762623, ClinGen allele CA2573146840.

ClinVar aggregate classification (germline): Uncertain significance (1 of 4 stars; one submission).

Conditions:
Immunodeficiency 18 (IMD18). Also called: CD3-EPSILON DEFICIENCY; CD3epsilon deficiency. Identifiers: MedGen C3810127, MONDO:0014278, OMIM 615615.

Submission:

Labcorp Genetics (formerly Invitae), Labcorp
Classification: Uncertain significance for Immunodeficiency 18. Last evaluated: 2022-08-09. Review status: criteria provided, single submitter. Criteria: Invitae Variant Classification Sherloc (09022015). Collection method: clinical testing. Allele origin: germline.
Comment: In summary, the available evidence is currently insufficient to determine the role of this variant in disease. Therefore, it has been classified as a Variant of Uncertain Significance. Variants that disrupt the consensus splice site are a relatively common cause of aberrant splicing (PMID: 17576681, 9536098). Algorithms developed to predict the effect of sequence changes on RNA splicing suggest that this variant may disrupt the consensus splice site. ClinVar contains an entry for this variant (Variation ID: 1498546). This variant has not been reported in the literature in individuals affected with CD3E-related conditions. This variant is not present in population databases (gnomAD no frequency). This sequence change falls in intron 4 of the CD3E gene. It does not directly change the encoded amino acid sequence of the CD3E protein. It affects a nucleotide within the consensus splice site.

Literature cited by the submitters: PubMed 17576681; PubMed 9536098.